The following is an entry in ClinVar:

NM_001369.3(DNAH5):c.6529G>C (p.Glu2177Gln)

Gene: DNAH5 (dynein axonemal heavy chain 5; minus strand). Cytogenetic location: 5p15.2.
Variant type: single nucleotide variant.
Coding change: c.6529G>C on transcript NM_001369.3 (MANE Select); coding-DNA position 6529, G replaced by C.
Protein change: p.Glu2177Gln; replaces glutamic acid 2177 with glutamine.
Molecular consequence: missense variant.
Genome position (GRCh38, 1-based): chr5:13,824,249, C>G on the plus strand (G>C on the coding strand, the complement: DNAH5 is on the minus strand). VCF-style: chr5-13824249-C-G. GRCh37 (hg19) VCF-style: chr5-13824358-C-G.
Other names: p.Glu2177Gln; short protein forms E2177Q.
Identifiers: ClinVar variation 414360 (VCV000414360.16), dbSNP rs116069486, ClinGen allele CA3203370.

ClinVar aggregate classification (germline): Conflicting classifications of pathogenicity. Review status: criteria provided, conflicting classifications (1 of 4 stars). 4 submissions from 4 submitters: Uncertain significance (1); Benign (1); Likely benign (2). Last evaluated 2026-01-26.

Conditions:
Primary ciliary dyskinesia. Also called: Ciliary dyskinesia. Identifiers: Orphanet 244, MedGen C0008780, MONDO:0016575, HP:0012265.

Allele frequency attached by ClinVar (database versions not stated): gnomAD exomes 0.00014 and 0.00039; ExAC 0.00046; gnomAD 0.00147 and 0.00153; TOPMed 0.00150; ESP Exome Variant Server 0.00215; 1000 Genomes Project 0.00280; 1000 Genomes Project 30x 0.00312.
gnomAD v4.1: 440 of 1,614,002 alleles (0.027%); highest among the groups gnomAD compares: African/African-American, 0.5%; 1 homozygote.

Submissions (4):

Labcorp Genetics (formerly Invitae), Labcorp
Classification: Likely benign for Primary ciliary dyskinesia. Last evaluated: 2026-01-26. Review status: criteria provided, single submitter. Criteria: Invitae Variant Classification Sherloc (09022015). Collection method: clinical testing. Allele origin: germline.

Mayo Clinic Laboratories, Mayo Clinic
Classification: Uncertain significance. Last evaluated: 2024-06-05. Review status: criteria provided, single submitter. Criteria: ACMG Guidelines, 2015. Collection method: clinical testing. Allele origin: germline. Observed: 1 variant allele.
Comment: BS1

Ambry Genetics
Classification: Benign for Primary ciliary dyskinesia. Last evaluated: 2015-01-16. Review status: criteria provided, single submitter. Criteria: Ambry Variant Classification Scheme 2023. Collection method: clinical testing. Allele origin: germline.

Breakthrough Genomics
Classification: Likely benign. Review status: criteria provided, single submitter. Criteria: ACMG Guidelines, 2015. Collection method: not provided. Allele origin: germline. Inheritance: Autosomal recessive inheritance. Affected: yes.